The following is an entry in ClinVar:

NM_004370.6(COL12A1):c.469A>G (p.Lys157Glu)

Gene: COL12A1 (collagen type XII alpha 1 chain; minus strand). Cytogenetic location: 6q13.
Variant type: single nucleotide variant.
Coding change: c.469A>G on transcript NM_004370.6 (MANE Select); coding-DNA position 469, A replaced by G.
Protein change: p.Lys157Glu; replaces lysine 157 with glutamic acid.
Molecular consequence: missense variant. On other transcripts: intron variant (1).
Genome position (GRCh38, 1-based): chr6:75,189,741, T>C on the plus strand (A>G on the coding strand, the complement: COL12A1 is on the minus strand). VCF-style: chr6-75189741-T-C. GRCh37 (hg19) VCF-style: chr6-75899457-T-C.
Other names: c.73+12979A>G (NM_080645.3); short protein forms K157E.
Identifiers: ClinVar variation 582896 (VCV000582896.16), dbSNP rs373002461, ClinGen allele CA3894420.

ClinVar aggregate classification (germline): Uncertain significance. Review status: criteria provided, multiple submitters, no conflicts (2 of 4 stars). 5 submissions from 5 submitters: Uncertain significance (5). Last evaluated 2026-08-01.

Conditions:
Ullrich congenital muscular dystrophy 2 (UCMD2). Identifiers: Orphanet 75840, MedGen C4225314, MONDO:0014654, OMIM 616470.
Bethlem myopathy 2 (BTHLM2). Identifiers: Orphanet 536516, Orphanet 610, MedGen C4225313, MONDO:0034022, OMIM 616471.
Inborn genetic diseases. Identifiers: MedGen C0950123, MeSH D030342.

Allele frequency attached by ClinVar (database versions not stated): ExAC 0.00002; gnomAD 0.00002; gnomAD exomes 0.00002 and 0.00008; TOPMed 0.00002; ESP Exome Variant Server 0.00008.
gnomAD v4.1: 118 of 1,613,164 alleles (0.0073%); highest among the groups gnomAD compares: Non-Finnish European, 0.0099%; no homozygotes.

Submissions (5):

CeGaT Center for Human Genetics Tuebingen
Classification: Uncertain significance. Last evaluated: 2026-08-01. Review status: criteria provided, single submitter. Criteria: CeGaT Center For Human Genetics Tuebingen Variant Classification Criteria Version 2. Collection method: clinical testing. Allele origin: germline. Affected: yes. Observed: 1 variant allele.

Women's Health and Genetics/Laboratory Corporation of America, LabCorp
Classification: Uncertain significance. Last evaluated: 2026-05-11. Review status: criteria provided, single submitter. Criteria: LabCorp Variant Classification Summary - May 2015. Collection method: clinical testing. Allele origin: germline.
Comment: Variant summary: COL12A1 c.469A>G (p.Lys157Glu) results in a conservative amino acid change in the encoded protein sequence. Algorithms developed to predict the effect of missense changes on protein structure and function are either unavailable or do not agree on the potential impact of this missense change. The variant allele was found at a frequency of 2e-05 in 249136 control chromosomes. The available data on variant occurrences in the general population are insufficient to allow any conclusion about variant significance. To our knowledge, no occurrence of c.469A>G in individuals affected with COL12A1-related conditions and no experimental evidence demonstrating its impact on protein function have been reported. ClinVar contains an entry for this variant (Variation ID: 582896). Based on the evidence outlined above, the variant was classified as uncertain significance.

Labcorp Genetics (formerly Invitae), Labcorp
Classification: Uncertain significance for Bethlem myopathy 2; Ullrich congenital muscular dystrophy 2. Last evaluated: 2025-11-17. Review status: criteria provided, single submitter. Criteria: Invitae Variant Classification Sherloc (09022015). Collection method: clinical testing. Allele origin: germline.
Comment: This sequence change replaces lysine, which is basic and polar, with glutamic acid, which is acidic and polar, at codon 157 of the COL12A1 protein (p.Lys157Glu). This variant is present in population databases (rs373002461, gnomAD 0.007%). This variant has not been reported in the literature in individuals affected with COL12A1-related conditions. ClinVar contains an entry for this variant (Variation ID: 582896). Invitae Evidence Modeling of protein sequence and biophysical properties (such as structural, functional, and spatial information, amino acid conservation, physicochemical variation, residue mobility, and thermodynamic stability) has been performed for this missense variant. However, the output from this modeling did not meet the statistical confidence thresholds required to predict the impact of this variant on COL12A1 protein function. In summary, the available evidence is currently insufficient to determine the role of this variant in disease. Therefore, it has been classified as a Variant of Uncertain Significance.

GeneDx
Classification: Uncertain significance. Last evaluated: 2025-05-19. Review status: criteria provided, single submitter. Criteria: GeneDx Variant Classification Process June 2021. Collection method: clinical testing. Allele origin: germline. Affected: yes.
Comment: Has not been previously published as pathogenic or benign to our knowledge; In silico analysis suggests that this missense variant does not alter protein structure/function

Ambry Genetics
Classification: Uncertain significance for Inborn genetic diseases. Last evaluated: 2023-02-28. Review status: criteria provided, single submitter. Criteria: Ambry Variant Classification Scheme 2023. Collection method: clinical testing. Allele origin: germline.